The following is an entry in ClinVar:

ClinVar aggregate classification (germline): Conflicting classifications of pathogenicity. Review status: criteria provided, conflicting classifications (1 of 4 stars). 3 submissions from 3 submitters: Likely pathogenic (1); Uncertain significance (1). 1 of the submissions does not count toward it. Last evaluated 2025-09-25.

Conditions:
Usher syndrome type 1B (USH1B). Also called: Usher syndrome type IB. Identifiers: MedGen C1848638, MONDO:0700087.

Allele frequency attached by ClinVar (database versions not stated): gnomAD 0.00001; TOPMed 0.00001.
gnomAD v4.1: 1 of 1,613,394 alleles (0.000062%); highest among the groups gnomAD compares: Non-Finnish European, 0.000085%; no homozygotes.

Submissions (3):

Labcorp Genetics (formerly Invitae), Labcorp
Classification: Likely pathogenic. Last evaluated: 2025-09-25. Review status: criteria provided, single submitter. Criteria: Invitae Variant Classification Sherloc (09022015). Collection method: clinical testing. Allele origin: germline.
Comment: This sequence change replaces alanine, which is neutral and non-polar, with aspartic acid, which is acidic and polar, at codon 1867 of the MYO7A protein (p.Ala1867Asp). This variant is not present in population databases (gnomAD no frequency). This missense change has been observed in individual(s) with autosomal recessive deafness (internal data). In at least one individual the data is consistent with being in trans (on the opposite chromosome) from a pathogenic variant. ClinVar contains an entry for this variant (Variation ID: 1307810). Invitae Evidence Modeling of protein sequence and biophysical properties (such as structural, functional, and spatial information, amino acid conservation, physicochemical variation, residue mobility, and thermodynamic stability) indicates that this missense variant is expected to disrupt MYO7A protein function with a positive predictive value of 95%. In summary, the currently available evidence indicates that the variant is pathogenic, but additional data are needed to prove that conclusively. Therefore, this variant has been classified as Likely Pathogenic.

GeneDx
Classification: Uncertain significance. Last evaluated: 2020-11-24. Review status: criteria provided, single submitter. Criteria: GeneDx Variant Classification Process June 2021. Collection method: clinical testing. Allele origin: germline. Affected: yes.
Comment: Not observed in large population cohorts (Lek et al., 2016); In silico analysis, which includes protein predictors and evolutionary conservation, supports a deleterious effect; Has not been previously published as pathogenic or benign to our knowledge

Natera, Inc.
Classification: Uncertain significance for Usher syndrome type 1B. Last evaluated: 2025-05-10. Review status: no assertion criteria provided. Collection method: clinical testing. Allele origin: germline. Not counted in ClinVar's aggregate classification.

NM_000260.4(MYO7A):c.5600C>A (p.Ala1867Asp)

Gene: MYO7A (myosin VIIA; plus strand). Cytogenetic location: 11q13.5.
Variant type: single nucleotide variant.
Coding change: c.5600C>A on transcript NM_000260.4 (MANE Select); coding-DNA position 5600, C replaced by A.
Protein change: p.Ala1867Asp; replaces alanine 1867 with aspartic acid.
Molecular consequence: missense variant.
Genome position (GRCh38, 1-based): chr11:77,205,581, C>A. VCF-style: chr11-77205581-C-A. GRCh37 (hg19) VCF-style: chr11-76916626-C-A.
Other names: c.5486C>A, p.Ala1829Asp (NM_001127180.2); c.5453C>A, p.Ala1818Asp (NM_001369365.1); short protein forms A1818D, A1829D, A1867D.
Identifiers: ClinVar variation 1307810 (VCV001307810.4), dbSNP rs876657914, ClinGen allele CA381953082.
Genomic context (GRCh38, chr11:77,205,581, plus strand): 5'-GCAACATCCTCCTGCCCCACGTGCAGCGCTTCCTGCAGTCCCGAAAGCACTGCCCACTCG[C>A]CATCGACTGCCTGCAACGGCTCCAGAAAGCCCTGAGGTACAGCGGCCACCAGGGGCAGGG-3'
Protein context (NP_000251.3, residues 1857-1877): FLQSRKHCPL[Ala1867Asp]IDCLQRLQKA